The following is an entry in ClinVar:

ClinVar aggregate classification (germline): Uncertain significance (1 of 4 stars; one submission).

gnomAD v4.1: 7 of 1,613,946 alleles (0.00043%); highest among the groups gnomAD compares: Non-Finnish European, 0.00059%; no homozygotes.

Submission:

Women's Health and Genetics/Laboratory Corporation of America, LabCorp
Classification: Uncertain significance. Last evaluated: 2025-07-14. Review status: criteria provided, single submitter. Criteria: LabCorp Variant Classification Summary - May 2015. Collection method: clinical testing. Allele origin: germline.
Comment: Variant summary: CNGB1 c.217+5G>A alters a non-conserved nucleotide located close to a canonical splice site and therefore could affect mRNA splicing, leading to a significantly altered protein sequence. Several computational tools predict a significant impact on normal splicing: Four predict the variant weakens the canonical 5' donor site. However, these predictions have yet to be confirmed by functional studies. The variant allele was found at a frequency of 8e-06 in 249444 control chromosomes. The available data on variant occurrences in the general population are insufficient to allow any conclusion about variant significance. c.217+5G>A has been observed in individual(s) affected with Retinitis Pigmentosa (Panneman_2023, Mihalich_2024). These report(s) do not provide unequivocal conclusions about association of the variant with Retinitis Pigmentosa. To our knowledge, no experimental evidence demonstrating an impact on protein function has been reported. The following publications have been ascertained in the context of this evaluation (PMID: 36819107, 38927702). No submitters have cited clinical-significance assessments for this variant to ClinVar. Based on the evidence outlined above, the variant was classified as uncertain significance.

Literature cited by the submitters: PubMed 36819107; PubMed 38927702.

NM_001297.5(CNGB1):c.217+5G>A

Gene: CNGB1 (cyclic nucleotide gated channel subunit beta 1; minus strand). Cytogenetic location: 16q21.
Variant type: single nucleotide variant.
Coding change: c.217+5G>A on transcript NM_001297.5 (MANE Select); 5 bases into the intron after coding-DNA position 217, G replaced by A.
Molecular consequence: intron variant.
Genome position (GRCh38, 1-based): chr16:57,964,482, C>T on the plus strand (G>A on the coding strand, the complement: CNGB1 is on the minus strand). VCF-style: chr16-57964482-C-T. GRCh37 (hg19) VCF-style: chr16-57998386-C-T.
Other names: c.217+5G>A (NM_001286130.2, NM_001135639.2).
Identifiers: ClinVar variation 4525916 (VCV004525916.1).
Genomic context (GRCh38, chr16:57,964,482, plus strand): 5'-CGGCTCCGAGGGGAGAATGCGGGCCCCCCTGCCATGCCAGCCTGGGCTTCAGCACTCGCA[C>T]TCACCCTGAGGGCTTGGGTCTGCCACAGCCACTTCCTCCTCCTTGAATGACTCTTCGGGG-3'